The following is an entry in ClinVar:

ClinVar aggregate classification (germline): Likely pathogenic. Review status: criteria provided, multiple submitters, no conflicts (2 of 4 stars). 3 submissions from 3 submitters: Likely pathogenic (2). 1 of the submissions does not count toward it. Last evaluated 2025-11-01.

Conditions:
Galactosemia. Also called: Galactose intolerance. Identifiers: Orphanet 352, MedGen C0016952, MONDO:0018116, HP:0004919. Disease mechanism: loss of function.
Deficiency of UDPglucose-hexose-1-phosphate uridylyltransferase. Also called: GALACTOSE-1-PHOSPHATE URIDYLYLTRANSFERASE DEFICIENCY; GALT deficiency; Galactosemia, classic; Transferase Deficiency Galactosemia; GALACTOSEMIA I. Identifiers: Orphanet 352, Orphanet 79239, MedGen C0268151, MONDO:0009258, OMIM 230400.

Submissions (3):

Labcorp Genetics (formerly Invitae), Labcorp
Classification: Likely pathogenic for Deficiency of UDPglucose-hexose-1-phosphate uridylyltransferase. Last evaluated: 2025-11-01. Review status: criteria provided, single submitter. Criteria: Invitae Variant Classification Sherloc (09022015). Collection method: clinical testing. Allele origin: germline.
Comment: This sequence change replaces histidine, which is basic and polar, with asparagine, which is neutral and polar, at codon 31 of the GALT protein (p.His31Asn). This variant is not present in population databases (gnomAD no frequency). This missense change has been observed in individual(s) with classic galactosemia (PMID: 22944367). ClinVar contains an entry for this variant (Variation ID: 25122). Invitae Evidence Modeling of protein sequence and biophysical properties (such as structural, functional, and spatial information, amino acid conservation, physicochemical variation, residue mobility, and thermodynamic stability) indicates that this missense variant is expected to disrupt GALT protein function with a positive predictive value of 95%. In summary, the currently available evidence indicates that the variant is pathogenic, but additional data are needed to prove that conclusively. Therefore, this variant has been classified as Likely Pathogenic.

Women's Health and Genetics/Laboratory Corporation of America, LabCorp
Classification: Likely pathogenic for Deficiency of UDPglucose-hexose-1-phosphate uridylyltransferase. Last evaluated: 2025-10-24. Review status: criteria provided, single submitter. Criteria: LabCorp Variant Classification Summary - May 2015. Collection method: clinical testing. Allele origin: germline.
Comment: Variant summary: GALT c.91C>A (p.His31Asn) results in a conservative amino acid change in the encoded protein sequence. Algorithms developed to predict the effect of missense changes on protein structure and function are either unavailable or do not agree on the potential impact of this missense change. The variant was absent in 251342 control chromosomes. The available data on variant occurrences in the general population are insufficient to allow any conclusion about variant significance. c.91C>A has been observed in the presumed compound heterozygous state in at least 1 individual affected with Galactosemia and low/absent GALT activity in erythrocytes (e.g. Boutron_2012). These data do not allow any conclusion about variant significance. To our knowledge, no experimental evidence demonstrating an impact on protein function has been reported. A different missense variant at the same amino acid position (c.92A>G, p.His31Arg) has been determined to be likely pathogenic/pathogenic by our lab, supporting the critical relevance of codon 31 for GALT protein function (PMID: 20547145). The following publications have been ascertained in the context of this evaluation (PMID: 22944367, 27005423). ClinVar contains an entry for this variant (Variation ID: 25122). Based on the evidence outlined above, the variant was classified as likely pathogenic.

Natera, Inc.
Classification: Uncertain significance for Galactosemia. Last evaluated: 2020-09-28. Review status: no assertion criteria provided. Collection method: clinical testing. Allele origin: germline. Not counted in ClinVar's aggregate classification.

Literature cited by the submitters: PubMed 22944367 (cited by Labcorp Genetics (formerly Invitae), Labcorp and Women's Health and Genetics/Laboratory Corporation of America, LabCorp); PubMed 27005423 (cited by Women's Health and Genetics/Laboratory Corporation of America, LabCorp).

NM_000155.4(GALT):c.91C>A (p.His31Asn)

Gene: GALT (galactose-1-phosphate uridylyltransferase; plus strand). Cytogenetic location: 9p13.3.
Variant type: single nucleotide variant.
Coding change: c.91C>A on transcript NM_000155.4 (MANE Select); coding-DNA position 91, C replaced by A.
Protein change: p.His31Asn; replaces histidine 31 with asparagine.
Molecular consequence: missense variant. On other transcripts: 5 prime UTR variant (1).
Genome position (GRCh38, 1-based): chr9:34,647,097, C>A. VCF-style: chr9-34647097-C-A. GRCh37 (hg19) VCF-style: chr9-34647094-C-A.
Other names: c.-112C>A (NM_001258332.2).
Identifiers: ClinVar variation 25122 (VCV000025122.9), dbSNP rs111033643, ClinGen allele CA259320.
Genomic context (GRCh38, chr9:34,647,097, plus strand): 5'-GAGAGAGGGAGCTAGAGAGCTCTGAGGACTGATCTTGACTGTCTGCCCCCAGACCATCAG[C>A]ATATCCGCTACAACCCGCTGCAGGATGAGTGGGTGCTGGTGTCAGCTCACCGCATGAAGC-3'
Protein context (NP_000146.2, residues 21-41): AATFRANDHQ[His31Asn]IRYNPLQDEW